The following is an entry in ClinVar:

ClinVar aggregate classification (germline): Uncertain significance (1 of 4 stars; one submission).

gnomAD v4.1: 3 of 1,614,192 alleles (0.00019%); highest among the groups gnomAD compares: Non-Finnish European, 0.00025%; no homozygotes.

Submission:

CeGaT Center for Human Genetics Tuebingen
Classification: Uncertain significance. Last evaluated: 2025-10-01. Review status: criteria provided, single submitter. Criteria: CeGaT Center For Human Genetics Tuebingen Variant Classification Criteria Version 2. Collection method: clinical testing. Allele origin: germline. Affected: yes. Observed: 1 variant allele.
Comment: LRSAM1: PM2

NM_001005373.4(LRSAM1):c.245C>G (p.Thr82Ser)

Gene: LRSAM1 (leucine rich repeat and sterile alpha motif containing 1; plus strand). Cytogenetic location: 9q33.3.
Variant type: single nucleotide variant.
Coding change: c.245C>G on transcript NM_001005373.4 (MANE Select); coding-DNA position 245, C replaced by G.
Protein change: p.Thr82Ser; replaces threonine 82 with serine.
Molecular consequence: missense variant. On other transcripts: 5 prime UTR variant (1), non-coding transcript variant (2).
Genome position (GRCh38, 1-based): chr9:127,457,386, C>G. VCF-style: chr9-127457386-C-G. GRCh37 (hg19) VCF-style: chr9-130219665-C-G.
Other names: c.245C>G, p.Thr82Ser (NM_001005374.4, NM_001190723.3, NM_001384142.1 and 2 more transcripts); c.-540C>G (NM_001384144.1); short protein forms T82S.
Identifiers: ClinVar variation 4534697 (VCV004534697.6).
Genomic context (GRCh38, chr9:127,457,386, plus strand): 5'-TCCACACGAATCACCTCACTTCCCTGCTTCCCAAATCCTGCAGCCTCCTGAGTCTGGCAA[C>G]CATCAAGGTACTGGGCCCTCCTCCCAGGCAGCTGGGGCTCTGCATGGGGTTCCACGCGGC-3'
Protein context (NP_001005373.1, residues 72-92): PKSCSLLSLA[Thr82Ser]IKVLDLHDNQ